The following is an entry in ClinVar:

NM_001364905.1(LRBA):c.108A>G (p.Lys36=)

Gene: LRBA (LPS responsive beige-like anchor protein; minus strand). Cytogenetic location: 4q31.3.
Variant type: single nucleotide variant.
Coding change: c.108A>G on transcript NM_001364905.1 (MANE Select); coding-DNA position 108, A replaced by G.
Protein change: p.Lys36=; no amino-acid change (lysine 36 retained).
Molecular consequence: synonymous variant.
Genome position (GRCh38, 1-based): chr4:151,014,535, T>C on the plus strand (A>G on the coding strand, the complement: LRBA is on the minus strand). VCF-style: chr4-151014535-T-C. GRCh37 (hg19) VCF-style: chr4-151935687-T-C.
Other names: p.Lys36=; c.108A>G, p.Lys36= (NM_001199282.3, NM_001367550.1, NM_006726.5).
Identifiers: ClinVar variation 1396141 (VCV001396141.7), dbSNP rs758402612, ClinGen allele CA3103969.
Genomic context (GRCh38, chr4:151,014,535, plus strand): 5'-TTCAACCAAACCGGTCAACACGGCAAATTTCATTCTGATGCCCCTGATGGGGAGCCCTGG[T>C]TTCAGAGACAATGCACCCCCTTCAGTAGGGGTTTCTTCTCTCCCTCCACCTCCCCCGTCA-3'
Protein context (NP_001351834.1, residues 26-46): TPTEGGALSL[Lys36=]PGLPIRGIRM

ClinVar aggregate classification (germline): Likely benign. Review status: criteria provided, multiple submitters, no conflicts (2 of 4 stars). 2 submissions from 2 submitters: Likely benign (2). Last evaluated 2025-12-16.

Conditions:
Combined immunodeficiency due to LRBA deficiency. Also called: Common variable immunodeficiency 8, with autoimmunity. Identifiers: Orphanet 445018, MedGen C3553512, MONDO:0013863, OMIM 614700.

Allele frequency attached by ClinVar (database versions not stated): ExAC 0.00002; gnomAD exomes 0.00002 and 0.00004; gnomAD 0.00001; TOPMed 0.00001.
gnomAD v4.1: 53 of 1,613,972 alleles (0.0033%); highest among the groups gnomAD compares: Non-Finnish European, 0.0043%; no homozygotes.

Submissions (2):

Labcorp Genetics (formerly Invitae), Labcorp
Classification: Likely benign for Combined immunodeficiency due to LRBA deficiency. Last evaluated: 2025-12-16. Review status: criteria provided, single submitter. Criteria: Invitae Variant Classification Sherloc (09022015). Collection method: clinical testing. Allele origin: germline.

Mayo Clinic Laboratories, Mayo Clinic
Classification: Likely benign. Last evaluated: 2025-11-14. Review status: criteria provided, single submitter. Criteria: ACMG Guidelines, 2015. Collection method: clinical testing. Allele origin: germline. Observed: 1 variant allele.
Comment: BP4, BP7